The following is an entry in ClinVar:

ClinVar aggregate classification (germline): Uncertain significance (1 of 4 stars; one submission).

Conditions:
Cardiovascular phenotype. Identifiers: MedGen CN230736.

Submission:

Ambry Genetics
Classification: Uncertain significance for Cardiovascular phenotype. Last evaluated: 2022-04-26. Review status: criteria provided, single submitter. Criteria: Ambry Variant Classification Scheme 2023. Collection method: clinical testing. Allele origin: germline.
Comment: The c.10968_10991del24insATA variant (also known as p.S3657_L3664delinsY), located in coding exon 44 of the TTN gene, results from an in-frame deletion of GTCCACCTGTGCAGCAGAGCTGCT and insertion of ATA at nucleotide positions 10968 to 10991. This results in the substitution of 8 residues for a tyrosine residue at codons 3657 to 3664. Based on data from gnomAD, this indel has an overall frequency of approximately 0.0008% (2/248164) of total alleles studied. The highest observed frequency was 0.0018% (2/112254) of European (non-Finnish) alleles. This amino acid region is not well conserved in available vertebrate species. Since supporting evidence is limited at this time, the clinical significance of this alteration remains unclear.

NM_001267550.2(TTN):c.12057_12080delinsATA (p.Ser4020_Leu4027delinsTyr)

Gene: TTN (titin; minus strand). Cytogenetic location: 2q31.2.
Variant type: Indel.
Coding change: c.12057_12080delinsATA on transcript NM_001267550.2 (MANE Select); coding-DNA positions 12057 to 12080, GTCCACCTGTGCAGCAGAGCTGCT replaced by ATA.
Protein change: p.Ser4020_Leu4027delinsTyr.
Molecular consequence: inframe indel. On other transcripts: intron variant (1).
Genome position (GRCh38, 1-based): chr2:178,741,153-178,741,176, AGCAGCTCTGCTGCACAGGTGGAC replaced by TAT on the plus strand (GTCCACCTGTGCAGCAGAGCTGCT replaced by ATA on the coding strand, the reverse complement: TTN is on the minus strand). VCF-style: chr2-178741153-AGCAGCTCTGCTGCACAGGTGGAC-TAT. GRCh37 (hg19) VCF-style: chr2-179605880-AGCAGCTCTGCTGCACAGGTGGAC-TAT.
Other names: c.11106_11129delinsATA, p.Ser3703_Leu3710delinsTyr (NM_001256850.1); c.10968_10991delinsATA, p.Ser3657_Leu3664delinsTyr (NM_003319.4); c.11343_11366delinsATA, p.Ser3782_Leu3789delinsTyr (NM_133432.3); c.11544_11567delinsATA, p.Ser3849_Leu3856delinsTyr (NM_133437.4); c.10361-2816_10361-2793delinsATA (NM_133378.4); c.10968_10991delGTCCACCTGTGCAGCAGAGCTGCTinsATA (NM_003319.4).
Identifiers: ClinVar variation 1790616 (VCV001790616.2), dbSNP rs2530703221, ClinGen allele CA2580065172.